The following is an entry in ClinVar:

ClinVar aggregate classification (germline): Uncertain significance (1 of 4 stars; one submission).

Allele frequency attached by ClinVar (database versions not stated): gnomAD exomes 0.00002 and 0.00004; TOPMed 0.00002; ExAC 0.00003; gnomAD 0.00003.
gnomAD v4.1: 35 of 1,614,054 alleles (0.0022%); highest among the groups gnomAD compares: Non-Finnish European, 0.0024%; no homozygotes.

Submission:

Labcorp Genetics (formerly Invitae), Labcorp
Classification: Uncertain significance. Last evaluated: 2025-09-29. Review status: criteria provided, single submitter. Criteria: Invitae Variant Classification Sherloc (09022015). Collection method: clinical testing. Allele origin: germline.
Comment: This sequence change replaces valine, which is neutral and non-polar, with methionine, which is neutral and non-polar, at codon 416 of the ANKH protein (p.Val416Met). This variant is present in population databases (rs755062446, gnomAD 0.02%). This variant has not been reported in the literature in individuals affected with ANKH-related conditions. ClinVar contains an entry for this variant (Variation ID: 1500158). Invitae Evidence Modeling of protein sequence and biophysical properties (such as structural, functional, and spatial information, amino acid conservation, physicochemical variation, residue mobility, and thermodynamic stability) indicates that this missense variant is not expected to disrupt ANKH protein function with a negative predictive value of 80%. In summary, the available evidence is currently insufficient to determine the role of this variant in disease. Therefore, it has been classified as a Variant of Uncertain Significance.

NM_054027.6(ANKH):c.1246G>A (p.Val416Met)

Genes: OTULIN (OTU deubiquitinase with linear linkage specificity; plus strand), ANKH (ANKH inorganic pyrophosphate transport regulator; minus strand), LOC100130744 (uncharacterized LOC100130744; plus strand). Cytogenetic location: 5p15.2.
Variant type: single nucleotide variant.
Coding change: c.1246G>A on transcript NM_054027.6 (MANE Select); coding-DNA position 1246, G replaced by A.
Protein change: p.Val416Met; replaces valine 416 with methionine.
Molecular consequence: missense variant. On other transcripts: non-coding transcript variant (1).
Genome position (GRCh38, 1-based): chr5:14,713,563, C>T on the plus strand (G>A on the coding strand, the complement: ANKH is on the minus strand). VCF-style: chr5-14713563-C-T. GRCh37 (hg19) VCF-style: chr5-14713672-C-T.
Other names: short protein forms V416M.
Identifiers: ClinVar variation 1500158 (VCV001500158.8), dbSNP rs755062446, ClinGen allele CA3208881.